The following is an entry in ClinVar:

NM_001283009.2(RTEL1):c.1995G>C (p.Glu665Asp)

Genes: RTEL1 (regulator of telomere elongation helicase 1; plus strand), RTEL1-TNFRSF6B (RTEL1-TNFRSF6B readthrough (NMD candidate); plus strand). Cytogenetic location: 20q13.33.
Variant type: single nucleotide variant.
Coding change: c.1995G>C on transcript NM_001283009.2 (MANE Select); coding-DNA position 1995, G replaced by C.
Protein change: p.Glu665Asp; replaces glutamic acid 665 with aspartic acid.
Molecular consequence: missense variant. On other transcripts: non-coding transcript variant (1).
Genome position (GRCh38, 1-based): chr20:63,689,618, G>C. VCF-style: chr20-63689618-G-C. GRCh37 (hg19) VCF-style: chr20-62320971-G-C.
Other names: c.1326G>C, p.Glu442Asp (NM_001283010.1); c.1995G>C, p.Glu665Asp (NM_016434.4); c.2067G>C, p.Glu689Asp (NM_032957.5); short protein forms E442D, E665D, E689D.
Identifiers: ClinVar variation 2503198 (VCV002503198.1), dbSNP rs2090677503, ClinGen allele CA409678899.

ClinVar aggregate classification (germline): Uncertain significance (1 of 4 stars; one submission).

Allele frequency attached by ClinVar (database versions not stated): gnomAD exomes below 0.00001.
gnomAD v4.1: 3 of 1,612,284 alleles (0.00019%); highest among the groups gnomAD compares: Non-Finnish European, 0.00025%; no homozygotes.

Submission:

GeneDx
Classification: Uncertain significance. Last evaluated: 2022-11-23. Review status: criteria provided, single submitter. Criteria: GeneDx Variant Classification Process June 2021. Collection method: clinical testing. Allele origin: germline. Affected: yes.
Comment: Not observed at significant frequency in large population cohorts (gnomAD); In silico analysis supports that this missense variant does not alter protein structure/function; Has not been previously published as pathogenic or benign to our knowledge